The following is an entry in ClinVar:

NM_005477.3(HCN4):c.310G>A (p.Gly104Ser)

Gene: HCN4 (hyperpolarization activated cyclic nucleotide gated potassium channel 4; minus strand). Cytogenetic location: 15q24.1.
Variant type: single nucleotide variant.
Coding change: c.310G>A on transcript NM_005477.3 (MANE Select); coding-DNA position 310, G replaced by A.
Protein change: p.Gly104Ser; replaces glycine 104 with serine.
Molecular consequence: missense variant.
Genome position (GRCh38, 1-based): chr15:73,367,961, C>T on the plus strand (G>A on the coding strand, the complement: HCN4 is on the minus strand). VCF-style: chr15-73367961-C-T. GRCh37 (hg19) VCF-style: chr15-73660302-C-T.
Other names: short protein forms G104S.
Identifiers: ClinVar variation 538084 (VCV000538084.8), dbSNP rs757662055, ClinGen allele CA7649489.

ClinVar aggregate classification (germline): Uncertain significance. Review status: criteria provided, multiple submitters, no conflicts (2 of 4 stars). 2 submissions from 2 submitters: Uncertain significance (2). Last evaluated 2023-10-28.

Conditions:
Brugada syndrome 8 (BRGDA8). Identifiers: Orphanet 130, MedGen C2751083, MONDO:0013148, OMIM 613123.
Cardiovascular phenotype. Identifiers: MedGen CN230736.

Allele frequency attached by ClinVar (database versions not stated): ExAC 0.00015.
gnomAD v4.1: 3 of 1,346,790 alleles (0.00022%); highest among the groups gnomAD compares: South Asian, 0.002%; no homozygotes.

Submissions (2):

Labcorp Genetics (formerly Invitae), Labcorp
Classification: Uncertain significance for Brugada syndrome 8. Last evaluated: 2023-10-28. Review status: criteria provided, single submitter. Criteria: Invitae Variant Classification Sherloc (09022015). Collection method: clinical testing. Allele origin: germline.
Comment: This sequence change replaces glycine, which is neutral and non-polar, with serine, which is neutral and polar, at codon 104 of the HCN4 protein (p.Gly104Ser). The frequency data for this variant in the population databases is considered unreliable, as metrics indicate poor data quality at this position in the gnomAD database. This variant has not been reported in the literature in individuals affected with HCN4-related conditions. ClinVar contains an entry for this variant (Variation ID: 538084). Advanced modeling of protein sequence and biophysical properties (such as structural, functional, and spatial information, amino acid conservation, physicochemical variation, residue mobility, and thermodynamic stability) performed at Invitae indicates that this missense variant is not expected to disrupt HCN4 protein function with a negative predictive value of 95%. In summary, the available evidence is currently insufficient to determine the role of this variant in disease. Therefore, it has been classified as a Variant of Uncertain Significance.

Ambry Genetics
Classification: Uncertain significance for Cardiovascular phenotype. Last evaluated: 2023-03-07. Review status: criteria provided, single submitter. Criteria: Ambry Variant Classification Scheme 2023. Collection method: clinical testing. Allele origin: germline.